The following is an entry in ClinVar:

NM_001040142.2(SCN2A):c.4579T>G (p.Phe1527Val)

Gene: SCN2A (sodium voltage-gated channel alpha subunit 2; plus strand). Cytogenetic location: 2q24.3.
Variant type: single nucleotide variant.
Coding change: c.4579T>G on transcript NM_001040142.2 (MANE Select); coding-DNA position 4579, T replaced by G.
Protein change: p.Phe1527Val; replaces phenylalanine 1527 with valine.
Molecular consequence: missense variant.
Genome position (GRCh38, 1-based): chr2:165,386,773, T>G. VCF-style: chr2-165386773-T-G. GRCh37 (hg19) VCF-style: chr2-166243283-T-G.
Other names: c.4579T>G, p.Phe1527Val (NM_001040143.2, NM_001371246.1, NM_001371247.1 and 1 more transcripts); short protein forms F1527V.
Identifiers: ClinVar variation 3024537 (VCV003024537.2), dbSNP rs2468149374, ClinGen allele CA349036208.

ClinVar aggregate classification (germline): Uncertain significance (1 of 4 stars; one submission).

Conditions:
Seizures, benign familial infantile, 3 (BFIS3). Also called: CONVULSIONS, BENIGN FAMILIAL INFANTILE, 3; Familial neonatal seizures. Identifiers: Orphanet 140927, Orphanet 306, MedGen C1843140, MONDO:0011904, OMIM 607745.

Submission:

Institute of Human Genetics, University of Leipzig Medical Center
Classification: Uncertain significance for Seizures, benign familial infantile, 3. Last evaluated: 2024-02-23. Review status: criteria provided, single submitter. Criteria: ACMG Guidelines, 2015. Collection method: clinical testing. Allele origin: unknown. Affected: yes.
Comment: Criteria applied: PM2_SUP,PP2,PP3